The following is an entry in ClinVar:

NC_012920.1(MT-ND4):m.12134T>C

Gene: MT-ND4 (mitochondrially encoded NADH dehydrogenase 4; plus strand).
Variant type: single nucleotide variant.
Genome position: chrM-12134-T-C.
Identifiers: ClinVar variation 693417 (VCV000693417.1), dbSNP rs1603223562, ClinGen allele CA414812654.

ClinVar aggregate classification (germline): Likely benign (1 of 4 stars; one submission).

Conditions:
Leigh syndrome (NULS). Also called: Leigh's necrotizing encephalopathy; Leigh's disease; Leigh Syndrome (mtDNA deletion); Leigh Disease; Subacute necrotizing encephalopathy; Necrotizing encephalopathy infantile subacute of Leigh. Identifiers: Orphanet 506, MedGen C2931891, MONDO:0009723, OMIM 256000.

Submission:

Wong Mito Lab, Molecular and Human Genetics, Baylor College of Medicine
Classification: Likely benign for Leigh syndrome. Last evaluated: 2019-10-17. Review status: criteria provided, single submitter. Criteria: Modified ACMG Guidelines (Unpublished). Collection method: clinical testing. Allele origin: germline.
Comment: The NC_012920.1:m.12134T>C (YP_003024035.1:p.Ser459Pro) variant in MTND4 gene is interpretated to be a Likely Benign variant based on the modified ACMG guidelines (unpublished). This variant meets the following evidence codes: BS1, BP6